The following is an entry in ClinVar:

NM_000368.5(TSC1):c.1163T>C (p.Leu388Pro)

Gene: TSC1 (TSC complex subunit 1; minus strand). Cytogenetic location: 9q34.13.
Variant type: single nucleotide variant.
Coding change: c.1163T>C on transcript NM_000368.5 (MANE Select); coding-DNA position 1163, T replaced by C.
Protein change: p.Leu388Pro; replaces leucine 388 with proline.
Molecular consequence: missense variant.
Genome position (GRCh38, 1-based): chr9:132,910,671, A>G on the plus strand (T>C on the coding strand, the complement: TSC1 is on the minus strand). VCF-style: chr9-132910671-A-G. GRCh37 (hg19) VCF-style: chr9-135786058-A-G.
Other names: c.1160T>C, p.Leu387Pro (NM_001162426.2); c.1010T>C, p.Leu337Pro (NM_001162427.2); c.800T>C, p.Leu267Pro (NM_001362177.2); short protein forms L388P, L267P, L387P, L337P.
Identifiers: ClinVar variation 378767 (VCV000378767.33), dbSNP rs377598226, ClinGen allele CA027202.

ClinVar aggregate classification (germline): Conflicting classifications of pathogenicity. Review status: criteria provided, conflicting classifications (1 of 4 stars). 12 submissions from 12 submitters: Uncertain significance (3); Benign (2); Likely benign (6). 1 of the submissions does not count toward it. Last evaluated 2026-04-27.

Conditions:
Hereditary cancer-predisposing syndrome. Also called: Hereditary Cancer Syndrome; Neoplastic Syndromes, Hereditary; Tumor predisposition; Hereditary neoplastic syndrome. Identifiers: Orphanet 140162, MedGen C0027672, MeSH D009386, MONDO:0015356.
TSC1-related disorder. Also called: TSC1-related condition.
Tuberous sclerosis syndrome (TSC). Also called: Tuberous Sclerosis Complex; Tuberous sclerosis. Identifiers: Orphanet 805, MedGen C0041341, MONDO:0001734.
Tuberous sclerosis 1 (TSC1). Identifiers: Orphanet 805, MedGen C1854465, MONDO:0008612, OMIM 191100.

Allele frequency attached by ClinVar (database versions not stated): gnomAD exomes 0.00003; TOPMed 0.00033; gnomAD 0.00041 and 0.00038; ESP Exome Variant Server 0.00008; ExAC 0.00002.
gnomAD v4.1: 109 of 1,613,996 alleles (0.0068%); highest among the groups gnomAD compares: African/African-American, 0.12%; no homozygotes.

Submissions (12):

Dasa
Classification: Likely benign. Last evaluated: 2026-04-27. Review status: criteria provided, single submitter. Criteria: DASA Assertion Criteria. Collection method: clinical testing. Allele origin: germline.
Comment: NM_000368.5(TSC1):c.1163T>C (p.Leu388Pro) is a missense variant that results in the substitution of leucine with proline. Based on the available data, this variant is classified as likely benign.

Labcorp Genetics (formerly Invitae), Labcorp
Classification: Benign for Tuberous sclerosis 1. Last evaluated: 2026-01-24. Review status: criteria provided, single submitter. Criteria: Invitae Variant Classification Sherloc (09022015). Collection method: clinical testing. Allele origin: germline.

Color Diagnostics, LLC DBA Color Health
Classification: Benign for Tuberous sclerosis syndrome. Last evaluated: 2025-10-07. Review status: criteria provided, single submitter. Criteria: ACMG Guidelines, 2015. Collection method: clinical testing. Allele origin: germline.

Myriad Genetics, Inc.
Classification: Likely benign for Tuberous sclerosis 1. Last evaluated: 2024-08-09. Review status: criteria provided, single submitter. Criteria: Myriad Autosomal Dominant, Autosomal Recessive and X-Linked Classification Criteria (2023). Collection method: clinical testing. Allele origin: unknown.
Comment: This variant is considered likely benign. This variant has been observed at a population frequency that is significantly greater than expected given the associated disease prevalence and penetrance.

Revvity Omics, Revvity
Classification: Uncertain significance. Last evaluated: 2024-08-06. Review status: criteria provided, single submitter. Criteria: ACMG Guidelines, 2015. Collection method: clinical testing. Allele origin: germline.

All of Us Research Program, National Institutes of Health
Classification: Uncertain significance for Tuberous sclerosis syndrome. Last evaluated: 2024-02-05. Review status: criteria provided, single submitter. Criteria: ACMG Guidelines, 2015. Collection method: clinical testing. Allele origin: germline. Inheritance: Autosomal dominant inheritance. Observed: 10 variant alleles, 10 heterozygotes.
Comment: This missense variant replaces leucine with proline at codon 388 of the TSC1 protein. Computational prediction is inconclusive regarding the impact of this variant on protein structure and function (internally defined REVEL score threshold 0.5 < inconclusive < 0.7, PMID: 27666373). To our knowledge, functional studies have not been reported for this variant. This variant has not been reported in individuals affected with tuberous sclerosis complex in the literature. This variant has been identified in 20/281880 chromosomes in the general population by the Genome Aggregation Database (gnomAD). The available evidence is insufficient to determine the role of this variant in disease conclusively. Therefore, this variant is classified as a Variant of Uncertain Significance.

This study involves interpretation of variants in research participants for the purpose of population health screening. Participant phenotype was not available at the time of variant classification. Additional details can be found in publication PMID: 35346344, PMCID: PMC8962531

Genome-Nilou Lab
Classification: Likely benign for Tuberous sclerosis 1. Last evaluated: 2021-11-07. Review status: criteria provided, single submitter. Criteria: ACMG Guidelines, 2015. Collection method: clinical testing. Allele origin: germline. Affected: no.

Ambry Genetics
Classification: Likely benign for Hereditary cancer-predisposing syndrome. Last evaluated: 2021-09-30. Review status: criteria provided, single submitter. Criteria: Ambry Variant Classification Scheme 2023. Collection method: clinical testing. Allele origin: germline.

GeneDx
Classification: Likely benign. Last evaluated: 2021-02-23. Review status: criteria provided, single submitter. Criteria: GeneDx Variant Classification Process June 2021. Collection method: clinical testing. Allele origin: germline. Affected: yes.
Comment: This variant is associated with the following publications: (PMID: 26226092)

Sema4
Classification: Likely benign for Hereditary cancer-predisposing syndrome. Last evaluated: 2021-02-17. Review status: criteria provided, single submitter. Criteria: Sema4 Curation Guidelines. Collection method: curation. Allele origin: germline.

Eurofins Ntd Llc (ga)
Classification: Uncertain significance. Last evaluated: 2018-08-22. Review status: criteria provided, single submitter. Criteria: EGL ClinVar v180209 classification definitions. Collection method: clinical testing. Allele origin: germline. Observed: 1 variant allele, 1 heterozygote.

PreventionGenetics, part of Exact Sciences
Classification: Likely benign for TSC1-related condition. Last evaluated: 2023-07-17. Review status: no assertion criteria provided. Collection method: clinical testing. Allele origin: germline. Not counted in ClinVar's aggregate classification.
Comment: This variant is classified as likely benign based on ACMG/AMP sequence variant interpretation guidelines (Richards et al. 2015 PMID: 25741868, with internal and published modifications).